The following is an entry in ClinVar:

ClinVar aggregate classification (germline): Uncertain significance (1 of 4 stars; one submission).

Conditions:
Dyskeratosis congenita. Identifiers: Orphanet 1775, MedGen C0265965, MONDO:0015780.

Submission:

Labcorp Genetics (formerly Invitae), Labcorp
Classification: Uncertain significance for Dyskeratosis congenita. Last evaluated: 2020-11-06. Review status: criteria provided, single submitter. Criteria: Invitae Variant Classification Sherloc (09022015). Collection method: clinical testing. Allele origin: germline.
Comment: In summary, the available evidence is currently insufficient to determine the role of this variant in disease. Therefore, it has been classified as a Variant of Uncertain Significance. This variant has not been reported in the literature in individuals with TINF2-related conditions. This variant is not present in population databases (ExAC no frequency). This sequence change creates a premature translational stop signal (p.Phe114Leufs*22) in the TINF2 gene. It is expected to result in an absent or disrupted protein product. However, the current clinical and genetic evidence is not sufficient to establish whether loss-of-function variants in TINF2 cause disease.

NM_001099274.3(TINF2):c.342_343del (p.Phe114fs)

Gene: TINF2 (TERF1 interacting nuclear factor 2; minus strand). Cytogenetic location: 14q12.
Variant type: Deletion.
Coding change: c.342_343del on transcript NM_001099274.3 (MANE Select); coding-DNA positions 342 to 343, 2 bases deleted (TT; older notation c.342_343delTT).
Protein change: p.Phe114fs; shifts the reading frame from phenylalanine 114.
Molecular consequence: frameshift variant.
Genome position (GRCh38, 1-based): chr14:24,241,731-24,241,732, AA deleted on the plus strand (TT on the coding strand, the reverse complement: TINF2 is on the minus strand); deleting any 2 consecutive bases within chr14:24,241,731-24,241,735 gives the same sequence; the c. name uses the placement nearest the transcript's 3' end. VCF-style (leftmost placement, unchanged base first): chr14-24241730-TAA-T. GRCh37 (hg19) VCF-style: chr14-24710936-TAA-T.
Other names: c.237_238del, p.Phe79fs (NM_001363668.2); c.342_343del, p.Phe114fs (NM_012461.3); short protein forms F79fs, F114fs.
Identifiers: ClinVar variation 1480461 (VCV001480461.6), dbSNP rs2139002396, ClinGen allele CA2573149804.
Genomic context (GRCh38, chr14:24,241,730, plus strand): 5'-CTCACCTGCAGCTTCGAGGCCAAATCCACAGGAGCCTCTGACAGCTGCTTCACCTGCTGG[TAA>T]AAAGTTTCCTGTGCCTCCAAAATCTTCCTCAGATCCTGCTTTGTCTGTTGAGGATACAGA-3'